The following is an entry in ClinVar:

NM_000179.3(MSH6):c.3480C>G (p.Val1160=)

Gene: MSH6 (mutS homolog 6; plus strand). Cytogenetic location: 2p16.3.
Variant type: single nucleotide variant.
Coding change: c.3480C>G on transcript NM_000179.3 (MANE Select); coding-DNA position 3480, C replaced by G.
Protein change: p.Val1160=; no amino-acid change (valine 1160 retained).
Molecular consequence: synonymous variant.
Genome position (GRCh38, 1-based): chr2:47,804,951, C>G. VCF-style: chr2-47804951-C-G. GRCh37 (hg19) VCF-style: chr2-48032090-C-G.
Other names: c.3090C>G, p.Val1030= (NM_001281492.2); c.2574C>G, p.Val858= (NM_001281493.2, NM_001281494.2).
Identifiers: ClinVar variation 455265 (VCV000455265.20), dbSNP rs786201385, ClinGen allele CA425997211.

ClinVar aggregate classification (germline): Benign/Likely benign. Review status: criteria provided, multiple submitters, no conflicts (2 of 4 stars). 6 submissions from 6 submitters: Benign (1); Likely benign (5). Last evaluated 2025-01-07.

Conditions:
Hereditary nonpolyposis colorectal neoplasms. Identifiers: MedGen C0009405, MeSH D003123.
Hereditary cancer-predisposing syndrome. Also called: Neoplastic Syndromes, Hereditary; Hereditary Cancer Syndrome; Hereditary neoplastic syndrome; Tumor predisposition. Identifiers: Orphanet 140162, MedGen C0027672, MeSH D009386, MONDO:0015356.
Lynch syndrome 5 (LYNCH5). Also called: Colorectal cancer, hereditary nonpolyposis, type 5; Hereditary non-polyposis colorectal cancer, type 5. Identifiers: Orphanet 144, MedGen C1833477, MONDO:0013710, OMIM 614350. Disease mechanism: loss of function.

gnomAD v4.1: 1 of 1,614,106 alleles (0.000062%); highest among the groups gnomAD compares: Non-Finnish European, 0.000085%; no homozygotes.

Submissions (6):

Myriad Genetics, Inc.
Classification: Benign for Lynch syndrome 5. Last evaluated: 2025-01-07. Review status: criteria provided, single submitter. Criteria: Myriad Autosomal Dominant, Autosomal Recessive and X-Linked Classification Criteria (2023). Collection method: clinical testing. Allele origin: unknown.
Comment: This variant is considered benign. This variant is a silent/synonymous amino acid change and it is not expected to impact splicing.

Labcorp Genetics (formerly Invitae), Labcorp
Classification: Likely benign for Hereditary nonpolyposis colorectal neoplasms. Last evaluated: 2024-04-14. Review status: criteria provided, single submitter. Criteria: Invitae Variant Classification Sherloc (09022015). Collection method: clinical testing. Allele origin: germline.

Blueprint Genetics
Classification: Likely benign. Last evaluated: 2022-07-11. Review status: criteria provided, single submitter. Criteria: ACMG Guidelines, 2015. Collection method: clinical testing. Allele origin: germline.

Color Diagnostics, LLC DBA Color Health
Classification: Likely benign for Hereditary cancer-predisposing syndrome. Last evaluated: 2017-09-08. Review status: criteria provided, single submitter. Criteria: ACMG Guidelines, 2015. Collection method: clinical testing. Allele origin: germline.

GeneDx
Classification: Likely benign. Last evaluated: 2017-05-25. Review status: criteria provided, single submitter. Criteria: GeneDx Variant Classification (06012015). Collection method: clinical testing. Allele origin: germline. Affected: yes.
Comment: This variant is considered likely benign or benign based on one or more of the following criteria: it is a conservative change, it occurs at a poorly conserved position in the protein, it is predicted to be benign by multiple in silico algorithms, and/or has population frequency not consistent with disease.

Ambry Genetics
Classification: Likely benign for Hereditary cancer-predisposing syndrome. Last evaluated: 2017-04-27. Review status: criteria provided, single submitter. Criteria: Ambry Variant Classification Scheme 2023. Collection method: clinical testing. Allele origin: germline.